The following is an entry in ClinVar:

NM_001845.6(COL4A1):c.2551C>T (p.Pro851Ser)

Gene: COL4A1 (collagen type IV alpha 1 chain; minus strand). Cytogenetic location: 13q34.
Variant type: single nucleotide variant.
Coding change: c.2551C>T on transcript NM_001845.6 (MANE Select); coding-DNA position 2551, C replaced by T.
Protein change: p.Pro851Ser; replaces proline 851 with serine.
Molecular consequence: missense variant.
Genome position (GRCh38, 1-based): chr13:110,178,139, G>A on the plus strand (C>T on the coding strand, the complement: COL4A1 is on the minus strand). VCF-style: chr13-110178139-G-A. GRCh37 (hg19) VCF-style: chr13-110830486-G-A.
Other names: short protein forms P851S.
Identifiers: ClinVar variation 1969795 (VCV001969795.5), dbSNP rs1188349617, ClinGen allele CA388667860.

ClinVar aggregate classification (germline): Uncertain significance (1 of 4 stars; one submission).

Allele frequency attached by ClinVar (database versions not stated): TOPMed below 0.00001; gnomAD 0.00001.
gnomAD v4.1: 1 of 1,614,068 alleles (0.000062%); highest among the groups gnomAD compares: African/African-American, 0.0013%; no homozygotes.

Submission:

Labcorp Genetics (formerly Invitae), Labcorp
Classification: Uncertain significance. Last evaluated: 2023-11-27. Review status: criteria provided, single submitter. Criteria: Invitae Variant Classification Sherloc (09022015). Collection method: clinical testing. Allele origin: germline.
Comment: This sequence change replaces proline, which is neutral and non-polar, with serine, which is neutral and polar, at codon 851 of the COL4A1 protein (p.Pro851Ser). This variant is not present in population databases (gnomAD no frequency). This variant has not been reported in the literature in individuals affected with COL4A1-related conditions. ClinVar contains an entry for this variant (Variation ID: 1969795). An algorithm developed to predict the effect of missense changes on protein structure and function (PolyPhen-2) suggests that this variant is likely to be tolerated. In summary, the available evidence is currently insufficient to determine the role of this variant in disease. Therefore, it has been classified as a Variant of Uncertain Significance.